The following is an entry in ClinVar:

ClinVar aggregate classification (germline): Uncertain significance (1 of 4 stars; one submission).

Allele frequency attached by ClinVar (database versions not stated): gnomAD exomes below 0.00001; TOPMed below 0.00001; gnomAD 0.00001.
gnomAD v4.1: 5 of 1,592,206 alleles (0.00031%); highest among the groups gnomAD compares: Non-Finnish European, 0.00034%; no homozygotes.

Submission:

Labcorp Genetics (formerly Invitae), Labcorp
Classification: Uncertain significance. Last evaluated: 2024-08-12. Review status: criteria provided, single submitter. Criteria: Invitae Variant Classification Sherloc (09022015). Collection method: clinical testing. Allele origin: germline.
Comment: This sequence change replaces alanine, which is neutral and non-polar, with valine, which is neutral and non-polar, at codon 1286 of the MYO7A protein (p.Ala1286Val). The frequency data for this variant in the population databases is considered unreliable, as metrics indicate poor data quality at this position in the gnomAD database. This variant has not been reported in the literature in individuals affected with MYO7A-related conditions. ClinVar contains an entry for this variant (Variation ID: 1917797). Advanced modeling of protein sequence and biophysical properties (such as structural, functional, and spatial information, amino acid conservation, physicochemical variation, residue mobility, and thermodynamic stability) performed at Invitae indicates that this missense variant is not expected to disrupt MYO7A protein function with a negative predictive value of 95%. In summary, the available evidence is currently insufficient to determine the role of this variant in disease. Therefore, it has been classified as a Variant of Uncertain Significance.

NM_000260.4(MYO7A):c.3857C>T (p.Ala1286Val)

Gene: MYO7A (myosin VIIA; plus strand). Cytogenetic location: 11q13.5.
Variant type: single nucleotide variant.
Coding change: c.3857C>T on transcript NM_000260.4 (MANE Select); coding-DNA position 3857, C replaced by T.
Protein change: p.Ala1286Val; replaces alanine 1286 with valine.
Molecular consequence: missense variant.
Genome position (GRCh38, 1-based): chr11:77,190,803, C>T. VCF-style: chr11-77190803-C-T. GRCh37 (hg19) VCF-style: chr11-76901848-C-T.
Other names: c.3857C>T, p.Ala1286Val (NM_001127180.2); c.3824C>T, p.Ala1275Val (NM_001369365.1); short protein forms A1275V, A1286V.
Identifiers: ClinVar variation 1917797 (VCV001917797.4), dbSNP rs575475444, ClinGen allele CA224844109.